The following is an entry in ClinVar:

NM_001355436.2(SPTB):c.3818_3832delinsGT (p.Asn1273fs)

Gene: SPTB (spectrin beta, erythrocytic; minus strand). Cytogenetic location: 14q23.3.
Variant type: Indel.
Coding change: c.3818_3832delinsGT on transcript NM_001355436.2 (MANE Select); coding-DNA positions 3818 to 3832, ACCTGGAGCTACAGA replaced by GT.
Protein change: p.Asn1273fs; shifts the reading frame from asparagine 1273.
Molecular consequence: frameshift variant.
Genome position (GRCh38, 1-based): chr14:64,785,560-64,785,574, TCTGTAGCTCCAGGT replaced by AC on the plus strand (ACCTGGAGCTACAGA replaced by GT on the coding strand, the reverse complement: SPTB is on the minus strand). VCF-style: chr14-64785560-TCTGTAGCTCCAGGT-AC. GRCh37 (hg19) VCF-style: chr14-65252278-TCTGTAGCTCCAGGT-AC.
Other names: c.3818_3832delinsGT, p.Asn1273fs (NM_001024858.4, NM_001355437.2); short protein forms N1273fs.
Identifiers: ClinVar variation 1339570 (VCV001339570.2), dbSNP rs2139560811, ClinGen allele CA2573053923.
Genomic context (GRCh38, chr14:64,785,560, plus strand): 5'-TCTCCAGGAAAGCAGCCACTCCTTGCTGGAGCCTCACCTCCTGGCAGTTCTGGAGGAAGT[TCTGTAGCTCCAGGT>AC]TGTCTCTCAGTAGGACAGAGGCCTCCTGGGCCTTCTCGTTGTTCTTCCTGTGCCTGGAAA-3'

ClinVar aggregate classification (germline): Pathogenic (0 of 4 stars; one submission).

Conditions:
Elliptocytosis 3 (EL3). Identifiers: MedGen C1866810, MONDO:0054780, OMIM 617948.

Submission:

Department of Hematology, Zigong First People's Hospital
Classification: Pathogenic for Elliptocytosis 3. Last evaluated: 2022-02-08. Review status: no assertion criteria provided. Collection method: clinical testing. Allele origin: maternal. Affected: yes.
Comment: Five genes are reported to be associated with HS, including Ankyrin (ANK1), band 3 (SLC4A1), β-spectrin (SPTA1), β-spectrin (SPTB), and protein 4.2 (EPB42). β-Spectrin, encoded by SPTB, plays an important role (He BJ 2018). A mutation in an allele of β-spectrin can lead to erythrocytosis; if both alleles are mutated, the incidence of HS increases (Perrotta S 2008). The common mutation types in SPTB often lead to defects in mRNA processing and truncated β-spectrin(Maciag M 2009). Scores for predicting the probability of a damaging mutation using Sorting Tolerant From Intolerant (SIFT) and Polymorphism Phenotyping v2 (PolyPhen-2) were high. The damaging effect of the novel SPTB mutation on the function of membrane proteins was further verified by EMA-BT and flow cytometry showed that the mean fluorescence intensity (MFI) of eosine-5-maleimide (EMA) in the erythrocytes of the patient was decreased by 33.37% (normal: <16%). In summary, the Asn1273fs variant meets our criteria to be classified as pathogenic.